The following is an entry in ClinVar:

ClinVar aggregate classification (germline): Uncertain significance (1 of 4 stars; one submission).

Conditions:
Cardiovascular phenotype. Identifiers: MedGen CN230736.

Submission:

Ambry Genetics
Classification: Uncertain significance for Cardiovascular phenotype. Last evaluated: 2026-07-13. Review status: criteria provided, single submitter. Criteria: Ambry Variant Classification Scheme 2023. Collection method: clinical testing. Allele origin: germline.
Comment: The p.L1996S variant (also known as c.5987T>C), located in coding exon 26 of the APOB gene, results from a T to C substitution at nucleotide position 5987. The leucine at codon 1996 is replaced by serine, an amino acid with dissimilar properties. This amino acid position is conserved. In addition, this alteration is predicted to be tolerated by in silico analysis. Based on the available evidence, the clinical significance of this variant remains unclear.

NM_000384.3(APOB):c.5987T>C (p.Leu1996Ser)

Gene: APOB (apolipoprotein B; minus strand). Cytogenetic location: 2p24.1.
Variant type: single nucleotide variant.
Coding change: c.5987T>C on transcript NM_000384.3 (MANE Select); coding-DNA position 5987, T replaced by C.
Protein change: p.Leu1996Ser; replaces leucine 1996 with serine.
Molecular consequence: missense variant.
Genome position (GRCh38, 1-based): chr2:21,010,881, A>G on the plus strand (T>C on the coding strand, the complement: APOB is on the minus strand). VCF-style: chr2-21010881-A-G. GRCh37 (hg19) VCF-style: chr2-21233753-A-G.
Other names: short protein forms L1996S.
Identifiers: ClinVar variation 5027667 (VCV005027667.1).